The following is an entry in ClinVar:

ClinVar aggregate classification (germline): Benign (1 of 4 stars; one submission).

Conditions:
Amyotrophic lateral sclerosis type 21. Also called: VOCAL CORD AND PHARYNGEAL DYSFUNCTION WITH DISTAL MYOPATHY; MYOPATHY, DISTAL, 2. Identifiers: Orphanet 600, Orphanet 803, MedGen C3807521, MONDO:0011632, OMIM 606070.

Allele frequency attached by ClinVar (database versions not stated): 1000 Genomes Project 30x 0.39694; 1000 Genomes Project 0.39996; TOPMed 0.49856; gnomAD 0.51394 and 0.51752; gnomAD exomes 0.60835 and 0.65315; ExAC 0.65741.
gnomAD v4.1: 275,445 of 453,886 alleles (61%); highest among the groups gnomAD compares: Non-Finnish European, 70%; 91,021 homozygotes.

Submission:

Illumina Laboratory Services, Illumina
Classification: Benign for Amyotrophic lateral sclerosis type 21. Last evaluated: 2018-01-13. Review status: criteria provided, single submitter. Criteria: ICSL Variant Classification Criteria 13 December 2019. Collection method: clinical testing. Allele origin: germline.
Comment: This variant was observed in the ICSL laboratory as part of a predisposition screen in an ostensibly healthy population. It had not been previously curated by ICSL or reported in the Human Gene Mutation Database (HGMD: prior to June 1st, 2018), and was therefore a candidate for classification through an automated scoring system. Utilizing variant allele frequency, disease prevalence and penetrance estimates, and inheritance mode, an automated score was calculated to assess if this variant is too frequent to cause the disease. Based on the score and internal cut-off values, a variant classified as benign is not then subjected to further curation. The score for this variant resulted in a classification of benign for this disease.

NM_018834.6(MATR3):c.*1288T>G

Gene: MATR3 (matrin 3; plus strand). Cytogenetic location: 5q31.2.
Variant type: single nucleotide variant.
Coding change: c.*1288T>G on transcript NM_018834.6 (MANE Select); 1288 bases downstream of the stop codon, T replaced by G.
Molecular consequence: 3 prime UTR variant.
Genome position (GRCh38, 1-based): chr5:139,330,683, T>G. VCF-style: chr5-139330683-T-G. GRCh37 (hg19) VCF-style: chr5-138666372-T-G.
Other names: c.*1288T>G (NM_001194954.2, NM_001194955.2, NM_001194956.2 and 2 more transcripts).
Identifiers: ClinVar variation 351170 (VCV000351170.5), dbSNP rs10515507, ClinGen allele CA3433601.